The following is an entry in ClinVar:

ClinVar aggregate classification (germline): Pathogenic (1 of 4 stars; one submission).

Submission:

Labcorp Genetics (formerly Invitae), Labcorp
Classification: Pathogenic. Last evaluated: 2023-02-16. Review status: criteria provided, single submitter. Criteria: Invitae Variant Classification Sherloc (09022015). Collection method: clinical testing. Allele origin: germline.
Comment: This sequence change creates a premature translational stop signal (p.Asp1139Alafs*43) in the LRP2 gene. It is expected to result in an absent or disrupted protein product. Loss-of-function variants in LRP2 are known to be pathogenic (PMID: 17632512, 25682901). This variant is not present in population databases (gnomAD no frequency). This variant has not been reported in the literature in individuals affected with LRP2-related conditions. Algorithms developed to predict the effect of sequence changes on RNA splicing suggest that this variant may create or strengthen a splice site. For these reasons, this variant has been classified as Pathogenic.

Literature cited by the submitters: PubMed 17632512; PubMed 25682901.

NM_004525.3(LRP2):c.3416_3428del (p.Asp1139fs)

Gene: LRP2 (LDL receptor related protein 2; minus strand). Cytogenetic location: 2q31.1.
Variant type: Deletion.
Coding change: c.3416_3428del on transcript NM_004525.3 (MANE Select); coding-DNA positions 3416 to 3428, 13 bases deleted (ATGAAAAGAACTG).
Protein change: p.Asp1139fs; shifts the reading frame from aspartic acid 1139.
Molecular consequence: frameshift variant.
Genome position (GRCh38, 1-based): chr2:169,244,695-169,244,707, CAGTTCTTTTCAT deleted on the plus strand (ATGAAAAGAACTG on the coding strand, the reverse complement: LRP2 is on the minus strand); deleting any 13 consecutive bases within chr2:169,244,695-169,244,710 gives the same sequence; the c. name uses the placement nearest the transcript's 3' end. VCF-style (leftmost placement, unchanged base first): chr2-169244694-GCAGTTCTTTTCAT-G. GRCh37 (hg19) VCF-style: chr2-170101204-GCAGTTCTTTTCAT-G.
Other names: short protein forms D1139fs.
Identifiers: ClinVar variation 2837746 (VCV002837746.3), dbSNP rs2528389328, ClinGen allele CA2739271584.